The following is an entry in ClinVar:

NM_000532.5(PCCB):c.1487C>T (p.Ala496Val)

Gene: PCCB (propionyl-CoA carboxylase subunit beta; plus strand). Cytogenetic location: 3q22.3.
Variant type: single nucleotide variant.
Coding change: c.1487C>T on transcript NM_000532.5 (MANE Select); coding-DNA position 1487, C replaced by T.
Protein change: p.Ala496Val; replaces alanine 496 with valine.
Molecular consequence: missense variant.
Genome position (GRCh38, 1-based): chr3:136,328,846, C>T. VCF-style: chr3-136328846-C-T. GRCh37 (hg19) VCF-style: chr3-136047688-C-T.
Other names: c.1547C>T, p.Ala516Val (NM_001178014.2); short protein forms A516V, A496V.
Identifiers: ClinVar variation 3693350 (VCV003693350.2).

ClinVar aggregate classification (germline): Uncertain significance (1 of 4 stars; one submission).

Conditions:
Propionic acidemia (PROP). Also called: GLYCINEMIA, KETOTIC; HYPERGLYCINEMIA WITH KETOACIDOSIS AND LEUKOPENIA; KETOTIC HYPERGLYCINEMIA. Identifiers: Orphanet 35, MedGen C0268579, MONDO:0011628, OMIM 606054, HP:0003571.

Submission:

Labcorp Genetics (formerly Invitae), Labcorp
Classification: Uncertain significance for Propionic acidemia. Last evaluated: 2024-06-02. Review status: criteria provided, single submitter. Criteria: Invitae Variant Classification Sherloc (09022015). Collection method: clinical testing. Allele origin: germline.
Comment: This sequence change replaces alanine, which is neutral and non-polar, with valine, which is neutral and non-polar, at codon 496 of the PCCB protein (p.Ala496Val). This variant is not present in population databases (gnomAD no frequency). This variant has not been reported in the literature in individuals affected with PCCB-related conditions. Advanced modeling of protein sequence and biophysical properties (such as structural, functional, and spatial information, amino acid conservation, physicochemical variation, residue mobility, and thermodynamic stability) has been performed at Invitae for this missense variant, however the output from this modeling did not meet the statistical confidence thresholds required to predict the impact of this variant on PCCB protein function. In summary, the available evidence is currently insufficient to determine the role of this variant in disease. Therefore, it has been classified as a Variant of Uncertain Significance.